The following is an entry in ClinVar:

ClinVar aggregate classification (germline): Benign/Likely benign. Review status: criteria provided, multiple submitters, no conflicts (2 of 4 stars). 7 submissions from 7 submitters: Benign (2); Likely benign (5). Last evaluated 2026-01-28.

Conditions:
AXIN2-related disorder.
Hereditary cancer-predisposing syndrome. Also called: Neoplastic Syndromes, Hereditary; Tumor predisposition; Hereditary Cancer Syndrome; Hereditary neoplastic syndrome. Identifiers: Orphanet 140162, MedGen C0027672, MeSH D009386, MONDO:0015356.
Oligodontia-cancer predisposition syndrome. Also called: TOOTH AGENESIS-COLORECTAL CANCER SYNDROME. Identifiers: Orphanet 300576, MedGen C1837750, MONDO:0012075, OMIM 608615. Disease mechanism: loss of function.

Allele frequency attached by ClinVar (database versions not stated): gnomAD exomes 0.00005 and 0.00012; TOPMed 0.00007; ESP Exome Variant Server 0.00008; gnomAD 0.00008; ExAC 0.00012.
gnomAD v4.1: 95 of 1,614,078 alleles (0.0059%); highest among the groups gnomAD compares: African/African-American, 0.0027%; no homozygotes.

Submissions (7):

Labcorp Genetics (formerly Invitae), Labcorp
Classification: Likely benign for Oligodontia-cancer predisposition syndrome. Last evaluated: 2026-01-28. Review status: criteria provided, single submitter. Criteria: Invitae Variant Classification Sherloc (09022015). Collection method: clinical testing. Allele origin: germline.

PreventionGenetics, part of Exact Sciences
Classification: Likely benign for AXIN2-related condition. Last evaluated: 2026-01-07. Review status: criteria provided, single submitter. Criteria: ACMG Guidelines, 2015. Collection method: clinical testing. Allele origin: germline.
Comment: This variant is classified as likely benign based on ACMG/AMP sequence variant interpretation guidelines (Richards et al. 2015 PMID: 25741868, with internal and published modifications).

Blueprint Genetics
Classification: Likely benign. Last evaluated: 2024-11-08. Review status: criteria provided, single submitter. Criteria: ACMG Guidelines, 2015. Collection method: clinical testing. Allele origin: germline.

Myriad Genetics, Inc.
Classification: Benign for Oligodontia-cancer predisposition syndrome. Last evaluated: 2024-06-27. Review status: criteria provided, single submitter. Criteria: Myriad Autosomal Dominant, Autosomal Recessive and X-Linked Classification Criteria (2023). Collection method: clinical testing. Allele origin: unknown.
Comment: This variant is considered benign. This variant is a silent/synonymous amino acid change and it is not expected to impact splicing.

Sema4
Classification: Benign for Hereditary cancer-predisposing syndrome. Last evaluated: 2021-02-17. Review status: criteria provided, single submitter. Criteria: Sema4 Curation Guidelines. Collection method: curation. Allele origin: germline.

GeneDx
Classification: Likely benign. Last evaluated: 2019-10-17. Review status: criteria provided, single submitter. Criteria: GeneDx Variant Classification Process June 2021. Collection method: clinical testing. Allele origin: germline. Affected: yes.
Comment: This variant is associated with the following publications: (PMID: 24429703)

Ambry Genetics
Classification: Likely benign for Hereditary cancer-predisposing syndrome. Last evaluated: 2019-01-07. Review status: criteria provided, single submitter. Criteria: Ambry Variant Classification Scheme 2023. Collection method: clinical testing. Allele origin: germline.

NM_004655.4(AXIN2):c.738C>T (p.Thr246=)

Gene: AXIN2 (axin 2; minus strand). Cytogenetic location: 17q24.1.
Variant type: single nucleotide variant.
Coding change: c.738C>T on transcript NM_004655.4 (MANE Select); coding-DNA position 738, C replaced by T.
Protein change: p.Thr246=; no amino-acid change (threonine 246 retained).
Molecular consequence: synonymous variant.
Genome position (GRCh38, 1-based): chr17:65,557,883, G>A on the plus strand (C>T on the coding strand, the complement: AXIN2 is on the minus strand). VCF-style: chr17-65557883-G-A. GRCh37 (hg19) VCF-style: chr17-63554001-G-A.
Other names: c.738C>T (LRG_296t1); c.738C>T, p.Thr246= (NM_001363813.1).
Identifiers: ClinVar variation 378956 (VCV000378956.21), dbSNP rs201191083, ClinGen allele CA8719000.